The following is an entry in ClinVar:

ClinVar aggregate classification (germline): Uncertain significance (1 of 4 stars; one submission).

gnomAD v4.1: 2 of 1,614,092 alleles (0.00012%); highest among the groups gnomAD compares: Non-Finnish European, 0.00017%; no homozygotes.

Submission:

Labcorp Genetics (formerly Invitae), Labcorp
Classification: Uncertain significance. Last evaluated: 2026-01-11. Review status: criteria provided, single submitter. Criteria: Invitae Variant Classification Sherloc (09022015). Collection method: clinical testing. Allele origin: germline.
Comment: This sequence change replaces tyrosine, which is neutral and polar, with histidine, which is basic and polar, at codon 328 of the CSF1R protein (p.Tyr328His). This variant is not present in population databases (gnomAD no frequency). This variant has not been reported in the literature in individuals affected with CSF1R-related conditions. Invitae Evidence Modeling of protein sequence and biophysical properties (such as structural, functional, and spatial information, amino acid conservation, physicochemical variation, residue mobility, and thermodynamic stability) indicates that this missense variant is not expected to disrupt CSF1R protein function with a negative predictive value of 95%. In summary, the available evidence is currently insufficient to determine the role of this variant in disease. Therefore, it has been classified as a Variant of Uncertain Significance.

NM_001288705.3(CSF1R):c.982T>C (p.Tyr328His)

Gene: CSF1R (colony stimulating factor 1 receptor; minus strand). Cytogenetic location: 5q32.
Variant type: single nucleotide variant.
Coding change: c.982T>C on transcript NM_001288705.3 (MANE Select); coding-DNA position 982, T replaced by C.
Protein change: p.Tyr328His; replaces tyrosine 328 with histidine.
Molecular consequence: missense variant. On other transcripts: non-coding transcript variant (2).
Genome position (GRCh38, 1-based): chr5:150,073,401, A>G on the plus strand (T>C on the coding strand, the complement: CSF1R is on the minus strand). VCF-style: chr5-150073401-A-G. GRCh37 (hg19) VCF-style: chr5-149452964-A-G.
Other names: c.982T>C, p.Tyr328His (NM_001349736.2, NM_001375320.1, NM_005211.4); c.538T>C, p.Tyr180His (NM_001375321.1); short protein forms Y328H, Y180H.
Identifiers: ClinVar variation 4778322 (VCV004778322.1).